The following is an entry in ClinVar:

NM_001378454.1(ALMS1):c.1540C>T (p.Leu514Phe)

Gene: ALMS1 (ALMS1 centrosome and basal body associated protein; plus strand). Cytogenetic location: 2p13.1.
Variant type: single nucleotide variant.
Coding change: c.1540C>T on transcript NM_001378454.1 (MANE Select); coding-DNA position 1540, C replaced by T.
Protein change: p.Leu514Phe; replaces leucine 514 with phenylalanine.
Molecular consequence: missense variant.
Genome position (GRCh38, 1-based): chr2:73,448,067, C>T. VCF-style: chr2-73448067-C-T. GRCh37 (hg19) VCF-style: chr2-73675197-C-T.
Other names: c.1543C>T, p.Leu515Phe (NM_015120.4); short protein forms L514F, L515F.
Identifiers: ClinVar variation 1449851 (VCV001449851.6), dbSNP rs2103771365, ClinGen allele CA347264702.
Genomic context (GRCh38, chr2:73,448,067, plus strand): 5'-AAGTCAGGCATCACTACCACTCCTGTTGATTCAGACATTGGATCTCATTTATCCTTGTCC[C>T]TTGAGGACCTGTCTCAGTTGGCTGTAAGTTCTCCTCTAGAAACTACTACTGGTCAACACA-3'
Protein context (NP_001365383.1, residues 504-524): SDIGSHLSLS[Leu514Phe]EDLSQLAVSS

ClinVar aggregate classification (germline): Uncertain significance (1 of 4 stars; one submission).

Conditions:
Alstrom syndrome (ALMS). Identifiers: Orphanet 64, MedGen C0268425, MONDO:0008763, OMIM 203800.

Allele frequency attached by ClinVar (database versions not stated): gnomAD exomes below 0.00001.
gnomAD v4.1: 1 of 1,613,020 alleles (0.000062%); highest among the groups gnomAD compares: Non-Finnish European, 0.000085%; no homozygotes.

Submission:

Labcorp Genetics (formerly Invitae), Labcorp
Classification: Uncertain significance for Alstrom syndrome. Last evaluated: 2023-07-07. Review status: criteria provided, single submitter. Criteria: Invitae Variant Classification Sherloc (09022015). Collection method: clinical testing. Allele origin: germline.
Comment: This sequence change replaces leucine with phenylalanine at codon 515 of the ALMS1 protein (p.Leu515Phe). The leucine residue is weakly conserved and there is a small physicochemical difference between leucine and phenylalanine. This variant is not present in population databases (gnomAD no frequency). This variant has not been reported in the literature in individuals affected with ALMS1-related conditions. ClinVar contains an entry for this variant (Variation ID: 1449851). Experimental studies and prediction algorithms are not available or were not evaluated, and the functional significance of this variant is currently unknown. In summary, the available evidence is currently insufficient to determine the role of this variant in disease. Therefore, it has been classified as a Variant of Uncertain Significance.